The following is an entry in ClinVar:

NC_000005.9:g.(?_6600039)_(6633092_?)del

Gene: NSUN2 (NOP2/Sun RNA methyltransferase 2; minus strand). Cytogenetic location: 5p15.31.
Variant type: Deletion.
Identifiers: ClinVar variation 3246528 (VCV003246528.1).

ClinVar aggregate classification (germline): Pathogenic (1 of 4 stars; one submission).

Submission:

Labcorp Genetics (formerly Invitae), Labcorp
Classification: Pathogenic. Last evaluated: 2023-11-29. Review status: criteria provided, single submitter. Criteria: Invitae Variant Classification Sherloc (09022015). Collection method: clinical testing. Allele origin: unknown.
Comment: A gross deletion of the genomic region encompassing the full coding sequence of the NSUN2 gene has been identified. Loss-of-function variants in NSUN2 are known to be pathogenic (PMID: 22541559, 22577224). The boundaries of this event are unknown as they extend beyond the assayed region for this gene and therefore may encompass additional genes. This variant has not been reported in the literature in individuals affected with NSUN2-related conditions. For these reasons, this variant has been classified as Pathogenic.

Literature cited by the submitters: PubMed 22541559; PubMed 22577224.